The following is an entry in ClinVar:

ClinVar aggregate classification (germline): Likely pathogenic (1 of 4 stars; one submission).

Conditions:
Congenital microcephaly - severe encephalopathy - progressive cerebral atrophy syndrome. Also called: ASNS DEFICIENCY; Asparagine synthetase deficiency. Identifiers: Orphanet 391376, MedGen C3809971, MONDO:0014258, OMIM 615574.

Submission:

Natera, Inc.
Classification: Likely pathogenic for Asparagine synthetase deficiency. Last evaluated: 2024-07-08. Review status: criteria provided, single submitter. Criteria: Natera Variant Classification Schema (03/2026). Collection method: clinical testing. Allele origin: germline.
Comment: The c.487+2T>C variant in ASNS is a canonical splice donor site variant predicted to affect pre-mRNA splicing, which may result in an abnormal transcript and altered protein product. This variant is expected to result in nonsense mediated decay, truncation, or a dysfunctional protein product. This variant is rare in the general population with a frequency below the threshold expected for the associated phenotype(s). Given the available evidence, this variant is classified as Likely Pathogenic.

NM_001673.5(ASNS):c.487+2T>C

Genes: ASNS (asparagine synthetase (glutamine-hydrolyzing); minus strand), CZ1P-ASNS (CZ1P-ASNS readthrough; minus strand). Cytogenetic location: 7q21.3.
Variant type: single nucleotide variant.
Coding change: c.487+2T>C on transcript NM_001673.5 (MANE Select); the canonical splice donor site of the intron after coding-DNA position 487, T replaced by C.
Molecular consequence: splice donor variant.
Genome position (GRCh38, 1-based): chr7:97,864,257, A>G on the plus strand (T>C on the coding strand, the complement: ASNS is on the minus strand). VCF-style: chr7-97864257-A-G. GRCh37 (hg19) VCF-style: chr7-97493569-A-G.
Other names: c.487+2T>C (NM_001352496.2, NM_183356.4, NM_133436.3); c.238+2T>C (NM_001178076.2, NM_001178077.1); c.424+2T>C (NM_001178075.2).
Identifiers: ClinVar variation 4816507 (VCV004816507.1).